The following is an entry in ClinVar:

ClinVar aggregate classification (germline): Likely pathogenic (1 of 4 stars; one submission).

Conditions:
Hermansky-Pudlak syndrome 3 (HPS3). Identifiers: Orphanet 231512, Orphanet 79430, MedGen C3888001, MONDO:0013555, OMIM 614072.

Submission:

Myriad Genetics, Inc.
Classification: Likely pathogenic for Hermansky-Pudlak syndrome 3. Last evaluated: 2022-03-15. Review status: criteria provided, single submitter. Criteria: Myriad Women's Health Autosomal Recessive and X-Linked Classification Criteria (2021). Collection method: clinical testing. Allele origin: unknown.
Comment: NM_032383.3(HPS3):c.513_516delACTA(L172Wfs*7) is expected to be pathogenic in the context of Hermansky-Pudlak syndrome type 3. This variant is predicted to lead to an abnormal or absent protein product due to the creation of a premature termination codon in HPS3, a gene where loss-of-function variants are known to be pathogenic. Please note: this variant was assessed in the context of healthy population screening.

NM_032383.5(HPS3):c.513_516del (p.Leu172fs)

Gene: HPS3 (HPS3 biogenesis of lysosomal organelles complex 2 subunit 1; plus strand). Cytogenetic location: 3q24.
Variant type: Deletion.
Coding change: c.513_516del on transcript NM_032383.5 (MANE Select); coding-DNA positions 513 to 516, 4 bases deleted (ACTA; older notation c.513_516delACTA).
Protein change: p.Leu172fs; shifts the reading frame from leucine 172.
Molecular consequence: frameshift variant. On other transcripts: intron variant (1).
Genome position (GRCh38, 1-based): chr3:149,140,299-149,140,302, ACTA deleted. VCF-style (leftmost placement, unchanged base first): chr3-149140298-CACTA-C. GRCh37 (hg19) VCF-style: chr3-148858085-CACTA-C.
Other names: c.218-718_218-715del (NM_001308258.2); short protein forms L172fs.
Identifiers: ClinVar variation 1725319 (VCV001725319.2), dbSNP rs2473069141, ClinGen allele CA2580068947.